The following is an entry in ClinVar:

NM_001372.4(DNAH9):c.5705A>G (p.Tyr1902Cys)

Gene: DNAH9 (dynein axonemal heavy chain 9; plus strand). Cytogenetic location: 17p12.
Variant type: single nucleotide variant.
Coding change: c.5705A>G on transcript NM_001372.4 (MANE Select); coding-DNA position 5705, A replaced by G.
Protein change: p.Tyr1902Cys; replaces tyrosine 1902 with cysteine.
Molecular consequence: missense variant.
Genome position (GRCh38, 1-based): chr17:11,719,486, A>G. VCF-style: chr17-11719486-A-G. GRCh37 (hg19) VCF-style: chr17-11622803-A-G.
Other names: short protein forms Y1902C.
Identifiers: ClinVar variation 3372680 (VCV003372680.1).

ClinVar aggregate classification (germline): Uncertain significance (1 of 4 stars; one submission).

Submission:

GeneDx
Classification: Uncertain significance. Last evaluated: 2024-04-19. Review status: criteria provided, single submitter. Criteria: GeneDx Variant Classification Process June 2021. Collection method: clinical testing. Allele origin: germline. Affected: yes.
Comment: Not observed at significant frequency in large population cohorts (gnomAD); In silico analysis supports that this missense variant has a deleterious effect on protein structure/function; Has not been previously published as pathogenic or benign to our knowledge